The following is an entry in ClinVar:

NM_001042492.3(NF1):c.8300A>G (p.Gln2767Arg)

Gene: NF1 (neurofibromin 1; plus strand). Cytogenetic location: 17q11.2.
Variant type: single nucleotide variant.
Coding change: c.8300A>G on transcript NM_001042492.3 (MANE Select); coding-DNA position 8300, A replaced by G.
Protein change: p.Gln2767Arg; replaces glutamine 2767 with arginine.
Molecular consequence: missense variant.
Genome position (GRCh38, 1-based): chr17:31,360,626, A>G. VCF-style: chr17-31360626-A-G. GRCh37 (hg19) VCF-style: chr17-29687644-A-G.
Other names: c.8237A>G, p.Gln2746Arg (NM_000267.4); short protein forms Q2746R, Q2767R.
Identifiers: ClinVar variation 1444521 (VCV001444521.8), dbSNP rs2151588076, ClinGen allele CA399204877.
Genomic context (GRCh38, chr17:31,360,626, plus strand): 5'-ATGAAGAAACCAGTGAAGAATCCCTCCTGACTCCCACATCTCCTTACCCTCCTGCACTGC[A>G]GAGCCAGCTTAGTATCACTGCCAACCTTAACCTTTCTAATTCCATGACCTCACTTGCAAC-3'
Protein context (NP_001035957.1, residues 2757-2777): TPTSPYPPAL[Gln2767Arg]SQLSITANLN

ClinVar aggregate classification (germline): Uncertain significance (1 of 4 stars; one submission).

Conditions:
Neurofibromatosis, type 1 (NF1). Also called: NEUROFIBROMATOSIS, TYPE I, SOMATIC; VON RECKLINGHAUSEN DISEASE; Peripheral type neurofibromatosis; Neurofibromatosis, type I. Identifiers: Orphanet 636, MedGen C0027831, MONDO:0018975, OMIM 162200. Disease mechanism: loss of function.

Submission:

Labcorp Genetics (formerly Invitae), Labcorp
Classification: Uncertain significance for Neurofibromatosis, type 1. Last evaluated: 2023-06-18. Review status: criteria provided, single submitter. Criteria: Invitae Variant Classification Sherloc (09022015). Collection method: clinical testing. Allele origin: germline.
Comment: In summary, the available evidence is currently insufficient to determine the role of this variant in disease. Therefore, it has been classified as a Variant of Uncertain Significance. Advanced modeling of protein sequence and biophysical properties (such as structural, functional, and spatial information, amino acid conservation, physicochemical variation, residue mobility, and thermodynamic stability) has been performed at Invitae for this missense variant, however the output from this modeling did not meet the statistical confidence thresholds required to predict the impact of this variant on NF1 protein function. ClinVar contains an entry for this variant (Variation ID: 1444521). This variant has not been reported in the literature in individuals affected with NF1-related conditions. This variant is not present in population databases (gnomAD no frequency). This sequence change replaces glutamine, which is neutral and polar, with arginine, which is basic and polar, at codon 2746 of the NF1 protein (p.Gln2746Arg).